The following is an entry in ClinVar:

NM_006486.3(FBLN1):c.2100G>A (p.Glu700=)

Gene: FBLN1 (fibulin 1; plus strand). Cytogenetic location: 22q13.31.
Variant type: single nucleotide variant.
Coding change: c.2100G>A on transcript NM_006486.3 (MANE Select); coding-DNA position 2100, G replaced by A.
Protein change: p.Glu700=; no amino-acid change (glutamic acid 700 retained).
Molecular consequence: synonymous variant.
Genome position (GRCh38, 1-based): chr22:45,600,434, G>A. VCF-style: chr22-45600434-G-A. GRCh37 (hg19) VCF-style: chr22-45996314-G-A.
Identifiers: ClinVar variation 2653294 (VCV002653294.24), dbSNP rs1412659570, ClinGen allele CA514897418.

ClinVar aggregate classification (germline): Likely benign (1 of 4 stars; one submission).

Allele frequency attached by ClinVar (database versions not stated): TOPMed below 0.00001; gnomAD 0.00001; gnomAD exomes 0.00001.
gnomAD v4.1: 9 of 1,614,086 alleles (0.00056%); highest among the groups gnomAD compares: Non-Finnish European, 0.00076%; no homozygotes.

Submission:

CeGaT Center for Human Genetics Tuebingen
Classification: Likely benign. Last evaluated: 2022-10-01. Review status: criteria provided, single submitter. Criteria: CeGaT Center For Human Genetics Tuebingen Variant Classification Criteria Version 2. Collection method: clinical testing. Allele origin: germline. Affected: yes. Observed: 1 variant allele.
Comment: FBLN1: BP4, BP7